The following is an entry in ClinVar:

ClinVar aggregate classification (germline): Likely pathogenic (1 of 4 stars; one submission).

Conditions:
Hyperinsulinemic hypoglycemia, familial, 1 (HHF1). Also called: HYPERINSULINISM, FAMILIAL, WITH PANCREATIC NESIDIOBLASTOSIS; HYPOGLYCEMIA, HYPERINSULINEMIC, OF INFANCY; Persistent Hyperinsulinemia Hypoglycemia of Infancy; NESIDIOBLASTOSIS OF PANCREAS; Persistent hyperinsulinemic hypoglycemia of infancy. Identifiers: Orphanet 276575, Orphanet 276598, MedGen C2931832, MONDO:0009734, OMIM 256450.

gnomAD v4.1: 1 of 1,614,168 alleles (0.000062%); highest among the groups gnomAD compares: South Asian, 0.0011%; no homozygotes.

Submission:

Broad Center for Mendelian Genomics, Broad Institute of MIT and Harvard
Classification: Likely pathogenic for Hyperinsulinemic hypoglycemia, familial, 1. Last evaluated: 2023-08-16. Review status: criteria provided, single submitter. Criteria: ACMG Guidelines, 2015. Collection method: curation. Allele origin: germline. Inheritance: Autosomal recessive inheritance.
Comment: The p.Ser1332Ter variant in ABCC8 has been reported in 1 individual with hyperinsulinemic hypoglycemia (PMID: 32027066), and has been identified in 0.003% (1/30616) of South Asian chromosomes by the Genome Aggregation Database (gnomAD; dbSNP ID: rs552324811). Although this variant has been seen in the general population in a heterozygous state, its frequency is low enough to be consistent with a recessive carrier frequency. This nonsense variant leads to a premature termination codon at position 1332, which is predicted to lead to a truncated or absent protein. Loss of function of the ABCC8 gene is an established disease mechanism in autosomal recessive hyperinsulinemic hypoglycemia. In summary, although additional studies are required to fully establish its clinical significance, this variant is likely pathogenic for autosomal recessive hyperinsulinemic hypoglycemia. ACMG/AMP Criteria applied: PM2, PVS1 (Richards 2015).

NM_000352.6(ABCC8):c.3995C>A (p.Ser1332Ter)

Gene: ABCC8 (ATP binding cassette subfamily C member 8; minus strand). Cytogenetic location: 11p15.1.
Variant type: single nucleotide variant.
Coding change: c.3995C>A on transcript NM_000352.6 (MANE Select); coding-DNA position 3995, C replaced by A.
Protein change: p.Ser1332Ter; replaces serine 1332 with a stop codon.
Molecular consequence: nonsense. On other transcripts: non-coding transcript variant (1).
Genome position (GRCh38, 1-based): chr11:17,397,040, G>T on the plus strand (C>A on the coding strand, the complement: ABCC8 is on the minus strand). VCF-style: chr11-17397040-G-T. GRCh37 (hg19) VCF-style: chr11-17418587-G-T.
Other names: NM_001287174.3:c.3998C>A; c.3998C>A, p.Ser1333Ter (NM_001287174.3); c.4061C>A, p.Ser1354Ter (NM_001351295.2); c.3995C>A, p.Ser1332Ter (NM_001351296.2); c.3992C>A, p.Ser1331Ter (NM_001351297.2); short protein forms S1331*, S1332*, S1333*, S1354*.
Identifiers: ClinVar variation 2576199 (VCV002576199.1), dbSNP rs552324811, ClinGen allele CA379791285.